The following is an entry in ClinVar:

ClinVar aggregate classification (germline): Likely pathogenic. Review status: criteria provided, single submitter (1 of 4 stars). 3 submissions from 3 submitters: Likely pathogenic (1). 2 of the submissions do not count toward it. Last evaluated 2025-09-15.

Conditions:
Situs inversus. Also called: Situs inversus totalis. Identifiers: Orphanet 101063, MedGen C4551493, MONDO:0010029, HP:0001696.
Bronchiectasis. Identifiers: MedGen C0006267, MONDO:0004822, HP:0002110.
Male infertility. Identifiers: MedGen C0021364, MeSH D007248, MONDO:0005372, HP:0003251.
Recurrent sinusitis. Identifiers: MedGen C0581354, HP:0011108.
Recurrent otitis media. Identifiers: MedGen C0747085, HP:0000403.
Ciliary dyskinesia, primary, 51 (CILD51). Identifiers: MedGen C5830608, MONDO:0957396, OMIM 620438.

Allele frequency attached by ClinVar (database versions not stated): gnomAD 0.00031 and 0.00044; gnomAD exomes 0.00033 and 0.00115; TOPMed 0.00051; ExAC 0.00110; 1000 Genomes Project 0.00220; 1000 Genomes Project 30x 0.00281.
gnomAD v4.1: 558 of 1,614,092 alleles (0.035%); highest among the groups gnomAD compares: East Asian, 1%; 2 homozygotes.

Submissions (4):

First Genomix Gene Laboratory, Genetic Diagnostics Department
Classification: Likely pathogenic for Ciliary dyskinesia, primary, 51. Last evaluated: 2025-09-15. Review status: criteria provided, single submitter. Criteria: ACMG Guidelines, 2015. Collection method: clinical testing. Allele origin: germline. Inheritance: Autosomal recessive inheritance. Affected: no. Observed: 1 variant allele.

Research Unit of Respiratory Disease, The Second Xiangya Hospital of Central South University
Classification: Likely pathogenic for Male infertility; Situs inversus; Bronchiectasis; Recurrent sinusitis; Recurrent otitis media. Last evaluated: 2020-10-19. Review status: no assertion criteria provided. Collection method: research. Allele origin: paternal. Inheritance: Autosomal recessive inheritance. Affected: yes. Observed: 1 variant allele, 1 homozygote. Not counted in ClinVar's aggregate classification.
Comment: Whole exome and Sanger sequencing identified a homozygous missense variant (NM_018963.5:c.5573A>T, p.(Gln1858Leu)) in the BRWD1 gene in a consanguineous family. The variant was absent in the 1000 Genomes Project (1000G), the NHLBI "Grand Opportunity" Exome Sequencing Project (GO-ESP). It was predicted to be deleterious by SIFT, and CADD (PHRED-scaled score = 15). According to the American College of Medical Genetics and Genomics (ACMG) guideline interpretation, this missense variant in BRWD1 was evaluated as uncertain significance. Transmission electron microscopy and immunostaining demonstrated that BRWD1 deficiency in human affects sperm flagella. This is the first report of BRWD1 gene links to the MMAF and likely PCD phenotype.

Dr. Peter K. Rogan Lab, Western University
No classification provided (evidence only). Condition: Gastric cancer. Review status: no classification provided. Collection method: in vitro. Allele origin: not applicable. Functional consequence: retained intron. Not counted in ClinVar's aggregate classification.

OMIM
Classification: Pathogenic for CILIARY DYSKINESIA, PRIMARY, 51. Last evaluated: 2023-06-27. Review status: flagged submission. Collection method: literature only. Allele origin: germline. Not counted in ClinVar's aggregate classification.
ClinVar note: Notes: Flagging candidate with reason of insufficient supporting evidence. This gene has been classified as having a disputed gene-disease relationship by a ClinGen Expert Panel.
ClinVar note: Reason: P/LP classification for a variant in a gene with insufficient evidence for a gene-disease relationship

Literature cited by the submitters: PubMed 33389130 (cited by OMIM).

NM_033656.4(BRWD1):c.5573A>T (p.Gln1858Leu)

Gene: BRWD1 (bromodomain and WD repeat domain containing 1; minus strand). Cytogenetic location: 21q22.2.
Variant type: single nucleotide variant.
Coding change: c.5573A>T on transcript NM_033656.4 (MANE Select); coding-DNA position 5573, A replaced by T.
Protein change: p.Gln1858Leu; replaces glutamine 1858 with leucine.
Molecular consequence: missense variant.
Genome position (GRCh38, 1-based): chr21:39,198,843, T>A on the plus strand (A>T on the coding strand, the complement: BRWD1 is on the minus strand). VCF-style: chr21-39198843-T-A. GRCh37 (hg19) VCF-style: chr21-40570769-T-A.
Other names: BRWD1, GLN1858LEU (rs147211854); NC_000021.8:g.40570769T>A; c.5573A>T, p.Gln1858Leu (NM_018963.5); short protein forms Q1858L.
Identifiers: ClinVar variation 982437 (VCV000982437.4), dbSNP rs147211854, ClinGen allele CA10026467.